The following is an entry in ClinVar:

NM_001042492.3(NF1):c.1985_1991del (p.Lys662fs)

Gene: NF1 (neurofibromin 1; plus strand). Cytogenetic location: 17q11.2.
Variant type: Microsatellite.
Coding change: c.1985_1991del on transcript NM_001042492.3 (MANE Select); coding-DNA positions 1985 to 1991, 7 bases deleted (AAGGGAA; older notation c.1985_1991delAAGGGAA).
Protein change: p.Lys662fs; shifts the reading frame from lysine 662.
Molecular consequence: frameshift variant.
Genome position (GRCh38, 1-based): chr17:31,225,234-31,225,240, AAGGGAA deleted; deleting any 7 consecutive bases within chr17:31,225,227-31,225,240 gives the same sequence; the c. name uses the placement nearest the transcript's 3' end. VCF-style (leftmost placement, unchanged base first): chr17-31225226-GAAGGGAA-G. GRCh37 (hg19) VCF-style: chr17-29552244-GAAGGGAA-G.
Other names: c.1978_1984AAGGGAA[1], p.Lys662Thrfs (NM_000267.4); short protein forms K662fs.
Identifiers: ClinVar variation 2135943 (VCV002135943.4), dbSNP rs2508142731, ClinGen allele CA2580614055.

ClinVar aggregate classification (germline): Pathogenic (1 of 4 stars; one submission).

Conditions:
Neurofibromatosis, type 1 (NF1). Also called: Peripheral type neurofibromatosis; VON RECKLINGHAUSEN DISEASE; NEUROFIBROMATOSIS, TYPE I, SOMATIC; Neurofibromatosis, type I. Identifiers: Orphanet 636, MedGen C0027831, MONDO:0018975, OMIM 162200. Disease mechanism: loss of function.

Submission:

Labcorp Genetics (formerly Invitae), Labcorp
Classification: Pathogenic for Neurofibromatosis, type 1. Last evaluated: 2023-11-27. Review status: criteria provided, single submitter. Criteria: Invitae Variant Classification Sherloc (09022015). Collection method: clinical testing. Allele origin: germline.
Comment: This sequence change creates a premature translational stop signal (p.Lys662Thrfs*24) in the NF1 gene. It is expected to result in an absent or disrupted protein product. Loss-of-function variants in NF1 are known to be pathogenic (PMID: 10712197, 23913538). This variant is not present in population databases (gnomAD no frequency). This variant has not been reported in the literature in individuals affected with NF1-related conditions. ClinVar contains an entry for this variant (Variation ID: 2135943). For these reasons, this variant has been classified as Pathogenic.

Literature cited by the submitters: PubMed 10712197; PubMed 23913538.